The following is an entry in ClinVar:

NM_173494.2(DNAAF6):c.293C>T (p.Ala98Val)

Gene: DNAAF6 (dynein axonemal assembly factor 6; plus strand). Cytogenetic location: Xq22.3.
Variant type: single nucleotide variant.
Coding change: c.293C>T on transcript NM_173494.2 (MANE Select); coding-DNA position 293, C replaced by T.
Protein change: p.Ala98Val; replaces alanine 98 with valine.
Molecular consequence: missense variant.
Genome position (GRCh38, 1-based): chrX:107,218,930, C>T. VCF-style: chrX-107218930-C-T. GRCh37 (hg19) VCF-style: chrX-106462160-C-T.
Other names: c.293C>T, p.Ala98Val (NM_001169154.2); short protein forms A98V.
Identifiers: ClinVar variation 4731320 (VCV004731320.1).

ClinVar aggregate classification (germline): Uncertain significance (1 of 4 stars; one submission).

Submission:

Labcorp Genetics (formerly Invitae), Labcorp
Classification: Uncertain significance. Last evaluated: 2025-11-16. Review status: criteria provided, single submitter. Criteria: Invitae Variant Classification Sherloc (09022015). Collection method: clinical testing. Allele origin: germline.
Comment: This sequence change replaces alanine, which is neutral and non-polar, with valine, which is neutral and non-polar, at codon 98 of the PIH1D3 protein (p.Ala98Val). This variant is not present in population databases (gnomAD no frequency). This variant has not been reported in the literature in individuals affected with PIH1D3-related conditions. An algorithm developed to predict the effect of missense changes on protein structure and function (PolyPhen-2) suggests that this variant is likely to be tolerated. In summary, the available evidence is currently insufficient to determine the role of this variant in disease. Therefore, it has been classified as a Variant of Uncertain Significance.